The following is an entry in ClinVar:

NM_198578.4(LRRK2):c.1339G>A (p.Glu447Lys)

Gene: LRRK2 (leucine rich repeat kinase 2; plus strand). Cytogenetic location: 12q12.
Variant type: single nucleotide variant.
Coding change: c.1339G>A on transcript NM_198578.4 (MANE Select); coding-DNA position 1339, G replaced by A.
Protein change: p.Glu447Lys; replaces glutamic acid 447 with lysine.
Molecular consequence: missense variant.
Genome position (GRCh38, 1-based): chr12:40,257,298, G>A. VCF-style: chr12-40257298-G-A. GRCh37 (hg19) VCF-style: chr12-40651100-G-A.
Other names: short protein forms E447K.
Identifiers: ClinVar variation 2057070 (VCV002057070.4), dbSNP rs2499537772, ClinGen allele CA384410518.

ClinVar aggregate classification (germline): Uncertain significance (1 of 4 stars; one submission).

Conditions:
Autosomal dominant Parkinson disease 8. Also called: LRRK2-Related Parkinson Disease; Parkinson disease 8; Parkinson disease 8, susceptibility to. Identifiers: Orphanet 411602, MedGen C1846862, MONDO:0011764, OMIM 607060.

Submission:

Labcorp Genetics (formerly Invitae), Labcorp
Classification: Uncertain significance for Autosomal dominant Parkinson disease 8. Last evaluated: 2022-06-22. Review status: criteria provided, single submitter. Criteria: Invitae Variant Classification Sherloc (09022015). Collection method: clinical testing. Allele origin: germline.
Comment: This sequence change replaces glutamic acid, which is acidic and polar, with lysine, which is basic and polar, at codon 447 of the LRRK2 protein (p.Glu447Lys). This variant is not present in population databases (gnomAD no frequency). This variant has not been reported in the literature in individuals affected with LRRK2-related conditions. Algorithms developed to predict the effect of missense changes on protein structure and function are either unavailable or do not agree on the potential impact of this missense change (SIFT: "Deleterious"; PolyPhen-2: "Benign"; Align-GVGD: "Class C0"). In summary, the available evidence is currently insufficient to determine the role of this variant in disease. Therefore, it has been classified as a Variant of Uncertain Significance.